The following is an entry in ClinVar:

NM_005529.7(HSPG2):c.11294G>A (p.Ser3765Asn)

Gene: HSPG2 (heparan sulfate proteoglycan 2; minus strand). Cytogenetic location: 1p36.12.
Variant type: single nucleotide variant.
Coding change: c.11294G>A on transcript NM_005529.7 (MANE Select); coding-DNA position 11294, G replaced by A.
Protein change: p.Ser3765Asn; replaces serine 3765 with asparagine.
Molecular consequence: missense variant.
Genome position (GRCh38, 1-based): chr1:21,831,710, C>T on the plus strand (G>A on the coding strand, the complement: HSPG2 is on the minus strand). VCF-style: chr1-21831710-C-T. GRCh37 (hg19) VCF-style: chr1-22158203-C-T.
Other names: c.11297G>A, p.Ser3766Asn (NM_001291860.2); short protein forms S3765N, S3766N.
Identifiers: ClinVar variation 295721 (VCV000295721.31), dbSNP rs114223739, ClinGen allele CA669845.

ClinVar aggregate classification (germline): Benign/Likely benign. Review status: criteria provided, multiple submitters, no conflicts (2 of 4 stars). 9 submissions from 8 submitters: Benign (5); Likely benign (4). Last evaluated 2026-01-17.

Conditions:
Schwartz-Jampel syndrome. Also called: Myotonic myopathy dwarfism chondrodystrophy and ocular and facial abnormalities. Identifiers: Orphanet 800, MedGen C0036391, MONDO:0009717.
Connective tissue disorder. Also called: Connective tissue disease. Identifiers: MedGen C0009782, MONDO:0003900.
Lethal Kniest-like syndrome (DDSH). Also called: Dyssegmental Dysplasia. Identifiers: Orphanet 1865, MedGen C1857100, MONDO:0009140, OMIM 224410.

Allele frequency attached by ClinVar (database versions not stated): gnomAD exomes 0.00031 and 0.00086; ExAC 0.00118; 1000 Genomes Project 30x 0.00265; 1000 Genomes Project 0.00300; gnomAD 0.00318 and 0.00347; TOPMed 0.00370; ESP Exome Variant Server 0.00384.
gnomAD v4.1: 985 of 1,606,198 alleles (0.061%); highest among the groups gnomAD compares: African/African-American, 1.1%; 5 homozygotes.

Submissions (9):

Labcorp Genetics (formerly Invitae), Labcorp
Classification: Benign. Last evaluated: 2026-01-17. Review status: criteria provided, single submitter. Criteria: Invitae Variant Classification Sherloc (09022015). Collection method: clinical testing. Allele origin: germline.

Blueprint Genetics
Classification: Likely benign. Last evaluated: 2024-08-28. Review status: criteria provided, single submitter. Criteria: ACMG Guidelines, 2015. Collection method: clinical testing. Allele origin: germline.

Athena Diagnostics
Classification: Benign. Last evaluated: 2023-11-07. Review status: criteria provided, single submitter. Criteria: Athena Diagnostics Criteria. Collection method: clinical testing. Allele origin: unknown.

GeneDx
Classification: Likely benign. Last evaluated: 2021-07-22. Review status: criteria provided, single submitter. Criteria: GeneDx Variant Classification Process June 2021. Collection method: clinical testing. Allele origin: germline. Affected: yes.

ARUP Laboratories, Molecular Genetics and Genomics, ARUP Laboratories
Classification: Likely benign. Last evaluated: 2021-01-29. Review status: criteria provided, single submitter. Criteria: ARUP Molecular Germline Variant Investigation Process 2021. Collection method: clinical testing. Allele origin: germline.

Genome Diagnostics Laboratory, The Hospital for Sick Children
Classification: Likely benign for Connective tissue disorder. Last evaluated: 2020-09-30. Review status: criteria provided, single submitter. Criteria: ACMG Guidelines, 2015. Collection method: clinical testing. Allele origin: germline.

Illumina Laboratory Services, Illumina
Classification: Benign for Schwartz-Jampel syndrome type 1. Last evaluated: 2018-01-13. Review status: criteria provided, single submitter. Criteria: ICSL Variant Classification Criteria 13 December 2019. Collection method: clinical testing. Allele origin: germline.
Comment: This variant was observed in the ICSL laboratory as part of a predisposition screen in an ostensibly healthy population. It had not been previously curated by ICSL or reported in the Human Gene Mutation Database (HGMD: prior to June 1st, 2018), and was therefore a candidate for classification through an automated scoring system. Utilizing variant allele frequency, disease prevalence and penetrance estimates, and inheritance mode, an automated score was calculated to assess if this variant is too frequent to cause the disease. Based on the score and internal cut-off values, a variant classified as benign is not then subjected to further curation. The score for this variant resulted in a classification of benign for this disease.

Illumina Laboratory Services, Illumina
Classification: Benign for Lethal Kniest-like syndrome. Last evaluated: 2018-01-13. Review status: criteria provided, single submitter. Criteria: ICSL Variant Classification Criteria 13 December 2019. Collection method: clinical testing. Allele origin: germline.
Comment: the same text as in the submission from Illumina Laboratory Services, Illumina above.

Eurofins Ntd Llc (ga)
Classification: Benign. Last evaluated: 2016-11-22. Review status: criteria provided, single submitter. Criteria: EGL Classification Definitions 2015. Collection method: clinical testing. Allele origin: germline. Observed: 1 variant allele, 1 heterozygote.

Literature cited by the submitters: PubMed 26934580 (cited by Athena Diagnostics).